The following is an entry in ClinVar:

ClinVar aggregate classification (germline): Conflicting classifications of pathogenicity. Review status: criteria provided, conflicting classifications (1 of 4 stars). 4 submissions from 4 submitters: Pathogenic (2); Uncertain significance (1); Likely benign (1). Last evaluated 2026-04-01.

Conditions:
PABPN1-related disorders.
Oculopharyngeal muscular dystrophy 1 (OPMD1). Identifiers: MedGen CN376802, MONDO:0958176, OMIM 164300.

Submissions (4):

CeGaT Center for Human Genetics Tuebingen
Classification: Likely benign. Last evaluated: 2026-04-01. Review status: criteria provided, single submitter. Criteria: CeGaT Center For Human Genetics Tuebingen Variant Classification Criteria Version 2. Collection method: clinical testing. Allele origin: germline. Affected: yes. Observed: 1 variant allele.
Comment: PABPN1: BS1

Revvity Omics, Revvity
Classification: Pathogenic for Oculopharyngeal muscular dystrophy 1. Last evaluated: 2025-06-13. Review status: criteria provided, single submitter. Criteria: ACMG Guidelines, 2015. Collection method: clinical testing. Allele origin: germline.

Blueprint Genetics
Classification: Pathogenic for PABPN1-related disorders. Last evaluated: 2024-10-25. Review status: criteria provided, single submitter. Criteria: ACMG Guidelines, 2015. Collection method: clinical testing. Allele origin: germline. Affected: yes. Observed: 5 variant alleles.

Juno Genomics, Hangzhou Juno Genomics, Inc
Classification: Uncertain significance for Oculopharyngeal muscular dystrophy 1. Review status: criteria provided, single submitter. Criteria: ACMG Guidelines, 2015. Collection method: clinical testing. Allele origin: germline. Affected: yes.
Comment: Protein length changes due to in-frame deletions/insertions in a non-repeat region or stop-loss variants.;The prevalence of the variant in affected individuals is significantly increased compared to the prevalence in controls.

NM_004643.4(PABPN1):c.24AGC[4] (p.Ala11_Gly12insAla)

Genes: BCL2L2-PABPN1 (BCL2L2-PABPN1 readthrough; plus strand), PABPN1 (poly(A) binding protein nuclear 1; plus strand). Cytogenetic location: 14q11.2.
Variant type: Microsatellite.
Coding change: c.24AGC[4] on transcript NM_004643.4 (MANE Select); four copies in a row of the 3-base unit AGC starting at c.24; the reference has three copies in a row; one copy, 3 bases duplicated; also written c.30_32dup.
Protein change: p.Ala11_Gly12insAla.
Molecular consequence: inframe insertion. On other transcripts: intron variant (8).
Genome position (GRCh38, 1-based): chr14:23,321,499-23,321,501, AGC duplicated; duplicating any 3 consecutive bases within chr14:23,321,491-23,321,501 gives the same sequence; the position shown is the placement nearest the transcript's 3' end. VCF-style (leftmost placement, unchanged base first): chr14-23321490-G-GGCA. GRCh37 (hg19) VCF-style: chr14-23790699-G-GGCA.
Other names: c.24AGC[4], p.Ala11_Gly12insAla (NM_001360551.3); c.529-690GCA[4] (NM_001387343.1, NM_001387342.1, NM_001387344.1 and 1 more transcripts); c.433-690GCA[4] (NM_001387345.1, NM_001387346.1, NM_001199864.3); c.550-690GCA[4] (NM_001387340.1); c.30_32dup (NM_004643.4).
Identifiers: ClinVar variation 1323406 (VCV001323406.9), dbSNP rs1401656265, ClinGen allele CA613317013.